The following is an entry in ClinVar:

ClinVar aggregate classification (germline): Likely benign. Review status: criteria provided, multiple submitters, no conflicts (2 of 4 stars). 3 submissions from 3 submitters: Likely benign (3). Last evaluated 2026-08-01.

gnomAD v4.1: 133 of 1,451,906 alleles (0.0092%); highest among the groups gnomAD compares: Non-Finnish European, 0.011%; no homozygotes.

Submissions (3):

CeGaT Center for Human Genetics Tuebingen
Classification: Likely benign. Last evaluated: 2026-08-01. Review status: criteria provided, single submitter. Criteria: CeGaT Center For Human Genetics Tuebingen Variant Classification Criteria Version 2. Collection method: clinical testing. Allele origin: germline. Affected: yes. Observed: 1 variant allele.
Comment: GDF1: BP4, BP7

Labcorp Genetics (formerly Invitae), Labcorp
Classification: Likely benign. Last evaluated: 2025-03-10. Review status: criteria provided, single submitter. Criteria: Invitae Variant Classification Sherloc (09022015). Collection method: clinical testing. Allele origin: germline.

Laboratory of Genetics, Children's Clinical University Hospital Latvia
Classification: Likely benign. Last evaluated: 2025-02-16. Review status: criteria provided, single submitter. Criteria: ACMG Guidelines, 2015. Collection method: clinical testing. Allele origin: germline. Affected: yes.

NM_001492.6(GDF1):c.876G>A (p.Leu292=)

Genes: CERS1 (ceramide synthase 1; minus strand), GDF1 (growth differentiation factor 1; minus strand). Cytogenetic location: 19p13.11.
Variant type: single nucleotide variant.
Coding change: c.876G>A on transcript NM_001492.6 (MANE Select); coding-DNA position 876, G replaced by A.
Protein change: p.Leu292=; no amino-acid change (leucine 292 retained).
Molecular consequence: synonymous variant. On other transcripts: 3 prime UTR variant (2).
Genome position (GRCh38, 1-based): chr19:18,868,840, C>T on the plus strand (G>A on the coding strand, the complement: GDF1 is on the minus strand). VCF-style: chr19-18868840-C-T. GRCh37 (hg19) VCF-style: chr19-18979649-C-T.
Other names: c.*1737G>A (NM_001387440.1); c.*1145G>A (NM_021267.5); c.876G>A, p.Leu292= (NM_001387438.1).
Identifiers: ClinVar variation 3911385 (VCV003911385.3).